The following is an entry in ClinVar:

ClinVar aggregate classification (germline): Uncertain significance (1 of 4 stars; one submission).

gnomAD v4.1: 1 of 1,583,274 alleles (0.000063%); highest among the groups gnomAD compares: African/African-American, 0.0013%; no homozygotes.

Submission:

Labcorp Genetics (formerly Invitae), Labcorp
Classification: Uncertain significance. Last evaluated: 2022-08-22. Review status: criteria provided, single submitter. Criteria: Invitae Variant Classification Sherloc (09022015). Collection method: clinical testing. Allele origin: germline.
Comment: This sequence change replaces proline, which is neutral and non-polar, with leucine, which is neutral and non-polar, at codon 1312 of the LRPPRC protein (p.Pro1312Leu). This variant is not present in population databases (gnomAD no frequency). This variant has not been reported in the literature in individuals affected with LRPPRC-related conditions. Algorithms developed to predict the effect of missense changes on protein structure and function are either unavailable or do not agree on the potential impact of this missense change (SIFT: "Deleterious"; PolyPhen-2: "Probably Damaging"; Align-GVGD: "Class C0"). In summary, the available evidence is currently insufficient to determine the role of this variant in disease. Therefore, it has been classified as a Variant of Uncertain Significance.

NM_133259.4(LRPPRC):c.3935C>T (p.Pro1312Leu)

Gene: LRPPRC (leucine rich pentatricopeptide repeat containing; minus strand). Cytogenetic location: 2p21.
Variant type: single nucleotide variant.
Coding change: c.3935C>T on transcript NM_133259.4 (MANE Select); coding-DNA position 3935, C replaced by T.
Protein change: p.Pro1312Leu; replaces proline 1312 with leucine.
Molecular consequence: missense variant.
Genome position (GRCh38, 1-based): chr2:43,894,595, G>A on the plus strand (C>T on the coding strand, the complement: LRPPRC is on the minus strand). VCF-style: chr2-43894595-G-A. GRCh37 (hg19) VCF-style: chr2-44121734-G-A.
Other names: short protein forms P1312L.
Identifiers: ClinVar variation 2163832 (VCV002163832.1), dbSNP rs747154844, ClinGen allele CA346674840.